The following is an entry in ClinVar:

NM_005223.4(DNASE1):c.373C>T (p.Pro125Ser)

Gene: DNASE1 (deoxyribonuclease 1; plus strand). Cytogenetic location: 16p13.3.
Variant type: single nucleotide variant.
Coding change: c.373C>T on transcript NM_005223.4 (MANE Select); coding-DNA position 373, C replaced by T.
Protein change: p.Pro125Ser; replaces proline 125 with serine.
Molecular consequence: missense variant. On other transcripts: non-coding transcript variant (2).
Genome position (GRCh38, 1-based): chr16:3,656,690, C>T. VCF-style: chr16-3656690-C-T. GRCh37 (hg19) VCF-style: chr16-3706691-C-T.
Other names: c.373C>T, p.Pro125Ser (NM_001351825.2, NM_001387135.1, NM_001387139.1 and 1 more transcripts); c.166C>T, p.Pro56Ser (NM_001387141.1); short protein forms P125S, P56S.
Identifiers: ClinVar variation 4243350 (VCV004243350.3).

ClinVar aggregate classification (germline): Conflicting classifications of pathogenicity. Review status: criteria provided, conflicting classifications (1 of 4 stars). 2 submissions from 2 submitters: Uncertain significance (1); Likely benign (1). Last evaluated 2026-04-01.

gnomAD v4.1: 11 of 1,613,314 alleles (0.00068%); highest among the groups gnomAD compares: South Asian, 0.0011%; no homozygotes.

Submissions (2):

CeGaT Center for Human Genetics Tuebingen
Classification: Likely benign. Last evaluated: 2026-04-01. Review status: criteria provided, single submitter. Criteria: CeGaT Center For Human Genetics Tuebingen Variant Classification Criteria Version 2. Collection method: clinical testing. Allele origin: germline. Affected: yes. Observed: 1 variant allele.
Comment: DNASE1: BP4

Ambry Genetics
Classification: Uncertain significance. Last evaluated: 2025-08-31. Review status: criteria provided, single submitter. Criteria: Ambry Variant Classification Scheme 2023. Collection method: clinical testing. Allele origin: germline.